The following is an entry in ClinVar:

NM_018706.7(DHTKD1):c.886G>A (p.Val296Met)

Gene: DHTKD1 (dehydrogenase E1 and transketolase domain containing 1; plus strand). Cytogenetic location: 10p14.
Variant type: single nucleotide variant.
Coding change: c.886G>A on transcript NM_018706.7 (MANE Select); coding-DNA position 886, G replaced by A.
Protein change: p.Val296Met; replaces valine 296 with methionine.
Molecular consequence: missense variant.
Genome position (GRCh38, 1-based): chr10:12,089,154, G>A. VCF-style: chr10-12089154-G-A. GRCh37 (hg19) VCF-style: chr10-12131153-G-A.
Other names: short protein forms V296M.
Identifiers: ClinVar variation 1344635 (VCV001344635.6), dbSNP rs763791918, ClinGen allele CA5407672.
Genomic context (GRCh38, chr10:12,089,154, plus strand): 5'-CACCATCCCCTCCATGTGACAATGTTGCCCAATCCCTCGCACCTGGAGGCCGTCAACCCC[G>A]TGGCCGTGGGCAAAACTCGCGGCAGGCAGCAGTCTCGCCAAGACGGCGATTACTCTCCAG-3'
Protein context (NP_061176.4, residues 286-306): NPSHLEAVNP[Val296Met]AVGKTRGRQQ

ClinVar aggregate classification (germline): Uncertain significance. Review status: criteria provided, single submitter (1 of 4 stars). 2 submissions from 2 submitters: Uncertain significance (1). 1 of the submissions does not count toward it. Last evaluated 2024-08-28.

Conditions:
Nephrotic syndrome. Identifiers: MedGen C0027726, MONDO:0005377, HP:0000100.
2-aminoadipic 2-oxoadipic aciduria (AAKAD). Also called: Aminoadipic aciduria; ALPHA-AMINOADIPIC AND ALPHA-KETOADIPIC ACIDURIA. Identifiers: Orphanet 79154, MedGen C1859817, MONDO:0008774, OMIM 204750.

Allele frequency attached by ClinVar (database versions not stated): gnomAD exomes 0.00001; TOPMed 0.00001; ExAC 0.00002.
gnomAD v4.1: 17 of 1,614,128 alleles (0.0011%); highest among the groups gnomAD compares: Non-Finnish European, 0.0012%; no homozygotes.

Submissions (2):

Labcorp Genetics (formerly Invitae), Labcorp
Classification: Uncertain significance for 2-aminoadipic 2-oxoadipic aciduria. Last evaluated: 2024-08-28. Review status: criteria provided, single submitter. Criteria: Invitae Variant Classification Sherloc (09022015). Collection method: clinical testing. Allele origin: germline.
Comment: This sequence change replaces valine, which is neutral and non-polar, with methionine, which is neutral and non-polar, at codon 296 of the DHTKD1 protein (p.Val296Met). This variant is present in population databases (rs763791918, gnomAD 0.002%). This missense change has been observed in individual(s) with clinical features of steroid resistant nephrotic syndrome (PMID: 29127259). ClinVar contains an entry for this variant (Variation ID: 1344635). Invitae Evidence Modeling of protein sequence and biophysical properties (such as structural, functional, and spatial information, amino acid conservation, physicochemical variation, residue mobility, and thermodynamic stability) has been performed for this missense variant. However, the output from this modeling did not meet the statistical confidence thresholds required to predict the impact of this variant on DHTKD1 protein function. In summary, the available evidence is currently insufficient to determine the role of this variant in disease. Therefore, it has been classified as a Variant of Uncertain Significance.

Yale Center for Mendelian Genomics, Yale University
Classification: Uncertain significance for Nephrotic syndrome. Last evaluated: 2017-11-10. Review status: no assertion criteria provided. Collection method: literature only. Allele origin: germline. Affected: yes. Observed: 2 homozygotes. Study: Yale Center for Mendelian Genomics. Not counted in ClinVar's aggregate classification.

Literature cited by the submitters: PubMed 29127259 (cited by Labcorp Genetics (formerly Invitae), Labcorp and Yale Center for Mendelian Genomics, Yale University).